The following is an entry in ClinVar:

ClinVar aggregate classification (germline): Uncertain significance (1 of 4 stars; one submission).

Conditions:
Kleefstra syndrome 1 (KLEFS1). Identifiers: Orphanet 261494, MedGen C0795833, MONDO:0027407, OMIM 610253.

Submission:

Juno Genomics, Hangzhou Juno Genomics, Inc
Classification: Uncertain significance for Kleefstra syndrome 1. Review status: criteria provided, single submitter. Criteria: ACMG Guidelines, 2015. Collection method: clinical testing. Allele origin: germline.
Comment: Absent from controls (or at extremely low frequency if recessive) in Genome Aggregation Database.;Multiple lines of computational evidence support a deleterious effect on the gene or gene product.

NM_024757.5(EHMT1):c.2861G>C (p.Cys954Ser)

Gene: EHMT1 (euchromatic histone lysine methyltransferase 1; plus strand). Cytogenetic location: 9q34.3.
Variant type: single nucleotide variant.
Coding change: c.2861G>C on transcript NM_024757.5 (MANE Select); coding-DNA position 2861, G replaced by C.
Protein change: p.Cys954Ser; replaces cysteine 954 with serine.
Molecular consequence: missense variant.
Genome position (GRCh38, 1-based): chr9:137,811,609, G>C. VCF-style: chr9-137811609-G-C. GRCh37 (hg19) VCF-style: chr9-140706061-G-C.
Other names: c.2840G>C, p.Cys947Ser (NM_001354263.2); short protein forms C947S, C954S.
Identifiers: ClinVar variation 5019296 (VCV005019296.2).